The following is an entry in ClinVar:

NM_001367624.2(ZNF469):c.10174G>C (p.Glu3392Gln)

Gene: ZNF469 (zinc finger protein 469; plus strand). Cytogenetic location: 16q24.2.
Variant type: single nucleotide variant.
Coding change: c.10174G>C on transcript NM_001367624.2 (MANE Select); coding-DNA position 10174, G replaced by C.
Protein change: p.Glu3392Gln; replaces glutamic acid 3392 with glutamine.
Molecular consequence: missense variant.
Genome position (GRCh38, 1-based): chr16:88,437,644, G>C. VCF-style: chr16-88437644-G-C. GRCh37 (hg19) VCF-style: chr16-88504052-G-C.
Other names: NM_001127464.1:c.10090G>C; short protein forms E3392Q.
Identifiers: ClinVar variation 3232721 (VCV003232721.1), dbSNP rs1567516677, ClinGen allele CA397125972.

ClinVar aggregate classification (germline): Uncertain significance (1 of 4 stars; one submission).

Conditions:
Cardiovascular phenotype. Identifiers: MedGen CN230736.

Allele frequency attached by ClinVar (database versions not stated): gnomAD exomes below 0.00001; gnomAD 0.00001.
gnomAD v4.1: 7 of 1,543,144 alleles (0.00045%); highest among the groups gnomAD compares: Non-Finnish European, 0.00053%; no homozygotes.

Submission:

Ambry Genetics
Classification: Uncertain significance for Cardiovascular phenotype. Last evaluated: 2023-12-12. Review status: criteria provided, single submitter. Criteria: Ambry Variant Classification Scheme 2023. Collection method: clinical testing. Allele origin: germline.
Comment: The p.E3364Q variant (also known as c.10090G>C), located in coding exon 2 of the ZNF469 gene, results from a G to C substitution at nucleotide position 10090. The glutamic acid at codon 3364 is replaced by glutamine, an amino acid with highly similar properties. This amino acid position is conserved. In addition, this alteration is predicted to be tolerated by in silico analysis. Since supporting evidence is limited at this time, the clinical significance of this alteration remains unclear.